The following is an entry in ClinVar:

NM_001510.4(GRID2):c.309A>G (p.Gly103=)

Gene: GRID2 (glutamate ionotropic receptor delta type subunit 2; plus strand). Cytogenetic location: 4q22.2.
Variant type: single nucleotide variant.
Coding change: c.309A>G on transcript NM_001510.4 (MANE Select); coding-DNA position 309, A replaced by G.
Protein change: p.Gly103=; no amino-acid change (glycine 103 retained).
Molecular consequence: synonymous variant. On other transcripts: intron variant (1).
Genome position (GRCh38, 1-based): chr4:93,085,059, A>G. VCF-style: chr4-93085059-A-G. GRCh37 (hg19) VCF-style: chr4-94006210-A-G.
Other names: c.245-25689A>G (NM_001286838.1).
Identifiers: ClinVar variation 3034013 (VCV003034013.9), dbSNP rs202228423, ClinGen allele CA3011940.
Genomic context (GRCh38, chr4:93,085,059, plus strand): 5'-TGAACTTATGAATCAAGGCATCTTGGCCCTGGTCAGCTCCATTGGCTGCACGTCAGCAGG[A>G]TCCCTCCAGTCTTTGGCAGACGCCATGCATATCCCCCACCTCTTCATTCAGCGCTCAACA-3'
Protein context (NP_001501.2, residues 93-113): LVSSIGCTSA[Gly103=]SLQSLADAMH

ClinVar aggregate classification (germline): Likely benign. Review status: criteria provided, single submitter (1 of 4 stars). 2 submissions from 2 submitters: Likely benign (1). 1 of the submissions does not count toward it. Last evaluated 2025-03-01.

Conditions:
GRID2-related disorder. Also called: GRID2-related condition.

Allele frequency attached by ClinVar (database versions not stated): gnomAD exomes 0.00003; ExAC 0.00011; ESP Exome Variant Server 0.00015; TOPMed 0.00017; gnomAD 0.00022; 1000 Genomes Project 30x 0.00031; 1000 Genomes Project 0.00040.
gnomAD v4.1: 73 of 1,614,102 alleles (0.0045%); highest among the groups gnomAD compares: African/African-American, 0.089%; no homozygotes.

Submissions (2):

CeGaT Center for Human Genetics Tuebingen
Classification: Likely benign. Last evaluated: 2025-03-01. Review status: criteria provided, single submitter. Criteria: CeGaT Center For Human Genetics Tuebingen Variant Classification Criteria Version 2. Collection method: clinical testing. Allele origin: germline. Affected: yes. Observed: 1 variant allele.
Comment: GRID2: BP4, BP7

PreventionGenetics, part of Exact Sciences
Classification: Likely benign for GRID2-related condition. Last evaluated: 2019-06-19. Review status: no assertion criteria provided. Collection method: clinical testing. Allele origin: germline. Not counted in ClinVar's aggregate classification.
Comment: This variant is classified as likely benign based on ACMG/AMP sequence variant interpretation guidelines (Richards et al. 2015 PMID: 25741868, with internal and published modifications).